The following is an entry in ClinVar:

NM_020937.4(FANCM):c.3496G>C (p.Ala1166Pro)

Gene: FANCM (FA complementation group M; plus strand). Cytogenetic location: 14q21.2.
Variant type: single nucleotide variant.
Coding change: c.3496G>C on transcript NM_020937.4 (MANE Select); coding-DNA position 3496, G replaced by C.
Protein change: p.Ala1166Pro; replaces alanine 1166 with proline.
Molecular consequence: missense variant.
Genome position (GRCh38, 1-based): chr14:45,176,250, G>C. VCF-style: chr14-45176250-G-C. GRCh37 (hg19) VCF-style: chr14-45645453-G-C.
Other names: c.3418G>C, p.Ala1140Pro (NM_001308133.2); short protein forms A1166P, A1140P.
Identifiers: ClinVar variation 3630569 (VCV003630569.3).
Genomic context (GRCh38, chr14:45,176,250, plus strand): 5'-GATGTGAGTCTTTCACCCTTGAACAGTAAAAGCGAATCTTTACCTGTGTCAGACAAAACT[G>C]CTATTAGTGAAACGCCTCTGGTCTCTCAGTTCTTAATTTCTGATGAACTTTTGTTGGACA-3'
Protein context (NP_065988.1, residues 1156-1176): SESLPVSDKT[Ala1166Pro]ISETPLVSQF

ClinVar aggregate classification (germline): Uncertain significance. Review status: criteria provided, multiple submitters, no conflicts (2 of 4 stars). 2 submissions from 2 submitters: Uncertain significance (2). Last evaluated 2025-04-17.

Conditions:
Fanconi anemia (FA). Also called: Fanconi's anemia. Identifiers: Orphanet 84, MedGen C0015625, MeSH D005199, MONDO:0019391.
Inborn genetic diseases. Identifiers: MedGen C0950123, MeSH D030342.

Submissions (2):

Ambry Genetics
Classification: Uncertain significance for Inborn genetic diseases. Last evaluated: 2025-04-17. Review status: criteria provided, single submitter. Criteria: Ambry Variant Classification Scheme 2023. Collection method: clinical testing. Allele origin: germline.
Comment: The p.A1166P variant (also known as c.3496G>C), located in coding exon 14 of the FANCM gene, results from a G to C substitution at nucleotide position 3496. The alanine at codon 1166 is replaced by proline, an amino acid with highly similar properties. This amino acid position is conserved. In addition, this alteration is predicted to be tolerated by in silico analysis. Based on the available evidence, the clinical significance of this variant remains unclear.

Labcorp Genetics (formerly Invitae), Labcorp
Classification: Uncertain significance for Fanconi anemia. Last evaluated: 2024-09-23. Review status: criteria provided, single submitter. Criteria: Invitae Variant Classification Sherloc (09022015). Collection method: clinical testing. Allele origin: germline.
Comment: This sequence change replaces alanine, which is neutral and non-polar, with proline, which is neutral and non-polar, at codon 1166 of the FANCM protein (p.Ala1166Pro). This variant is not present in population databases (gnomAD no frequency). This variant has not been reported in the literature in individuals affected with FANCM-related conditions. An algorithm developed to predict the effect of missense changes on protein structure and function (PolyPhen-2) suggests that this variant is likely to be tolerated. In summary, the available evidence is currently insufficient to determine the role of this variant in disease. Therefore, it has been classified as a Variant of Uncertain Significance.